The following is an entry in ClinVar:

NM_000091.5(COL4A3):c.548G>T (p.Gly183Val)

Genes: COL4A3 (collagen type IV alpha 3 chain; plus strand), MFF-DT (MFF divergent transcript; minus strand). Cytogenetic location: 2q36.3.
Variant type: single nucleotide variant.
Coding change: c.548G>T on transcript NM_000091.5 (MANE Select); coding-DNA position 548, G replaced by T.
Protein change: p.Gly183Val; replaces glycine 183 with valine.
Molecular consequence: missense variant.
Genome position (GRCh38, 1-based): chr2:227,251,141, G>T. VCF-style: chr2-227251141-G-T. GRCh37 (hg19) VCF-style: chr2-228115857-G-T.
Other names: short protein forms G183V.
Identifiers: ClinVar variation 1683852 (VCV001683852.4), dbSNP rs775544184, ClinGen allele CA350863681.
Genomic context (GRCh38, chr2:227,251,141, plus strand): 5'-CATTGTTATTAAGTGAGAAGTAAATTTAAACTTACTCTTATTCTTCTCTCAATTTCAAGG[G>T]TTTGCCAGGCCCTCCAGGTTTTCCTGGGCCTGTTGGCCCACCTGGTCCTCCGGGATTCTT-3'
Protein context (NP_000082.2, residues 173-193): PGLPGAPGPQ[Gly183Val]LPGPPGFPGP

ClinVar aggregate classification (germline): Conflicting classifications of pathogenicity. Review status: criteria provided, conflicting classifications (1 of 4 stars). 2 submissions from 2 submitters: Likely pathogenic (1); Uncertain significance (1). Last evaluated 2025-04-02.

Allele frequency attached by ClinVar (database versions not stated): TOPMed below 0.00001; gnomAD 0.00001.
gnomAD v4.1: 1 of 1,612,112 alleles (0.000062%); highest among the groups gnomAD compares: Non-Finnish European, 0.000085%; no homozygotes.

Submissions (2):

Dasa
Classification: Uncertain significance. Last evaluated: 2025-04-02. Review status: criteria provided, single submitter. Criteria: DASA Assertion Criteria. Collection method: clinical testing. Allele origin: germline.
Comment: NM_000091.5(COL4A3):c.548G>T (p.Gly183Val) is a missense variant that results in the substitution of glycine with valine. This variant is rare in population databases. Computational prediction algorithms are consistent with a deleterious effect. The currently available literature and clinical evidence are not sufficient to establish a definitive association between this variant and the reported condition. Therefore, this variant is classified as a variant of uncertain significance.

GeneDx
Classification: Likely pathogenic. Last evaluated: 2022-04-26. Review status: criteria provided, single submitter. Criteria: GeneDx Variant Classification Process June 2021. Collection method: clinical testing. Allele origin: germline. Affected: yes.
Comment: Affects a glycine residue in a Gly-X-Y motif in the triple helical region of the COL4A3 gene, where the majority of pathogenic missense variants occur, and is predicted to disrupt normal protein folding and function (Stenson et al., 2014; Jais et al., 2000); Not observed in large population cohorts (gnomAD); In silico analysis supports that this missense variant has a deleterious effect on protein structure/function; Has not been previously published as pathogenic or benign to our knowledge; This variant is associated with the following publications: (PMID: 24077912, 10752524)